The following is an entry in ClinVar:

ClinVar aggregate classification (germline): Conflicting classifications of pathogenicity. Review status: criteria provided, conflicting classifications (1 of 4 stars). 3 submissions from 3 submitters: Uncertain significance (2); Likely benign (1). Last evaluated 2024-10-22.

Conditions:
ARID1A-related disorder. Also called: ARID1A-related condition.

Submissions (3):

Labcorp Genetics (formerly Invitae), Labcorp
Classification: Likely benign. Last evaluated: 2024-10-22. Review status: criteria provided, single submitter. Criteria: Invitae Variant Classification Sherloc (09022015). Collection method: clinical testing. Allele origin: germline.

PreventionGenetics, part of Exact Sciences
Classification: Uncertain significance for ARID1A-related condition. Last evaluated: 2023-02-13. Review status: criteria provided, single submitter. Criteria: ACMG Guidelines, 2015. Collection method: clinical testing. Allele origin: germline.
Comment: The ARID1A c.1883T>C variant is predicted to result in the amino acid substitution p.Met628Thr. To our knowledge, this variant has not been reported in the literature. This variant is reported in 0.00088% of alleles in individuals of European (Non-Finnish) descent in gnomAD. At this time, the clinical significance of this variant is uncertain due to the absence of conclusive functional and genetic evidence.

CeGaT Center for Human Genetics Tuebingen
Classification: Uncertain significance. Last evaluated: 2022-04-01. Review status: criteria provided, single submitter. Criteria: CeGaT Center For Human Genetics Tuebingen Variant Classification Criteria Version 2. Collection method: clinical testing. Allele origin: germline. Affected: yes. Observed: 1 variant allele.
Comment: ARID1A: PP2

NM_006015.6(ARID1A):c.1883T>C (p.Met628Thr)

Gene: ARID1A (AT-rich interaction domain 1A; plus strand). Cytogenetic location: 1p36.11.
Variant type: single nucleotide variant.
Coding change: c.1883T>C on transcript NM_006015.6 (MANE Select); coding-DNA position 1883, T replaced by C.
Protein change: p.Met628Thr; replaces methionine 628 with threonine.
Molecular consequence: missense variant.
Genome position (GRCh38, 1-based): chr1:26,732,755, T>C. VCF-style: chr1-26732755-T-C. GRCh37 (hg19) VCF-style: chr1-27059246-T-C.
Other names: c.1883T>C, p.Met628Thr (NM_139135.4); short protein forms M628T.
Identifiers: ClinVar variation 2632115 (VCV002632115.27), dbSNP rs927444249, ClinGen allele CA19669723.
Genomic context (GRCh38, chr1:26,732,755, plus strand): 5'-TTGGGTCTCAGGCATCCTCAGCCCCCTCAATGACCTCCAGTAAGGGAGGGCAAGAAGATA[T>C]GAACCTGAGCCTTCAGTCAAGACCCTCCAGCTTGCCTGTGAGTATTTCTGCACCTTCTGA-3'
Protein context (NP_006006.3, residues 618-638): MTSSKGGQED[Met628Thr]NLSLQSRPSS